The following is an entry in ClinVar:

ClinVar aggregate classification (germline): Uncertain significance. Review status: criteria provided, multiple submitters, no conflicts (2 of 4 stars). 2 submissions from 2 submitters: Uncertain significance (2). Last evaluated 2022-11-18.

Submissions (5):

Blueprint Genetics
Classification: Uncertain significance. Last evaluated: 2022-11-18. Review status: criteria provided, single submitter. Criteria: ACMG Guidelines, 2015. Collection method: clinical testing. Allele origin: germline.

Labcorp Genetics (formerly Invitae), Labcorp
Classification: Uncertain significance. Last evaluated: 2022-06-13. Review status: criteria provided, single submitter. Criteria: Invitae Variant Classification Sherloc (09022015). Collection method: clinical testing. Allele origin: germline.
Comment: In summary, the available evidence is currently insufficient to determine the role of this variant in disease. Therefore, it has been classified as a Variant of Uncertain Significance. Algorithms developed to predict the effect of sequence changes on RNA splicing suggest that this variant may create or strengthen a splice site. Algorithms developed to predict the effect of missense changes on protein structure and function (SIFT, PolyPhen-2, Align-GVGD) all suggest that this variant is likely to be tolerated. This variant has not been reported in the literature in individuals affected with RGS9-related conditions. This variant is not present in population databases (gnomAD no frequency). This sequence change replaces arginine, which is basic and polar, with leucine, which is neutral and non-polar, at codon 501 of the RGS9 protein (p.Arg501Leu).

Dr. Peter K. Rogan Lab, Western University
No classification provided (evidence only). Condition: Thyroid cancer, nonmedullary, 1. Review status: no classification provided. Collection method: in vitro. Allele origin: not applicable. Functional consequence: retained intron. Not counted in ClinVar's aggregate classification.

Dr. Peter K. Rogan Lab, Western University
No classification provided (evidence only). Condition: Thyroid cancer, nonmedullary, 1. Review status: no classification provided. Collection method: in vitro. Allele origin: not applicable. Functional consequence: retained intron. Not counted in ClinVar's aggregate classification.

Dr. Peter K. Rogan Lab, Western University
No classification provided (evidence only). Condition: Thyroid cancer, nonmedullary, 1. Review status: no classification provided. Collection method: in vitro. Allele origin: not applicable. Functional consequence: retained intron. Not counted in ClinVar's aggregate classification.

NM_003835.4(RGS9):c.1502G>T (p.Arg501Leu)

Gene: RGS9 (regulator of G protein signaling 9; plus strand). Cytogenetic location: 17q24.1.
Variant type: single nucleotide variant.
Coding change: c.1502G>T on transcript NM_003835.4 (MANE Select); coding-DNA position 1502, G replaced by T.
Protein change: p.Arg501Leu; replaces arginine 501 with leucine.
Molecular consequence: missense variant.
Genome position (GRCh38, 1-based): chr17:65,225,096, G>T. VCF-style: chr17-65225096-G-T. GRCh37 (hg19) VCF-style: chr17-63221214-G-T.
Other names: c.1493G>T, p.Arg498Leu (NM_001081955.3); short protein forms R501L, R498L.
Identifiers: ClinVar variation 1471896 (VCV001471896.10), dbSNP rs34797451, ClinGen allele CA400673407.
Genomic context (GRCh38, chr17:65,225,096, plus strand): 5'-CCGTGTACACCGGGACCTGCATGCCCCCGTCTCCTTCTAGCCCCTTCTCCTCCTCCTGCC[G>T]CTCCCCCAGGAAGCCTTTCGCCTCACCCAGCCGCTTCATCCGGCGACCCAGCACCACCAT-3'
Protein context (NP_003826.2, residues 491-511): SPSSPFSSSC[Arg501Leu]SPRKPFASPS